The following is an entry in ClinVar:

ClinVar aggregate classification (germline): Uncertain significance. Review status: criteria provided, multiple submitters, no conflicts (2 of 4 stars). 2 submissions from 2 submitters: Uncertain significance (2). Last evaluated 2024-02-17.

Conditions:
Inborn genetic diseases. Identifiers: MedGen C0950123, MeSH D030342.

Allele frequency attached by ClinVar (database versions not stated): gnomAD exomes 0.00002 and 0.00003; ExAC 0.00003; TOPMed 0.00003; gnomAD 0.00004; ESP Exome Variant Server 0.00008.
gnomAD v4.1: 49 of 1,607,700 alleles (0.003%); highest among the groups gnomAD compares: East Asian, 0.069%; no homozygotes.

Submissions (2):

Ambry Genetics
Classification: Uncertain significance for Inborn genetic diseases. Last evaluated: 2024-02-17. Review status: criteria provided, single submitter. Criteria: Ambry Variant Classification Scheme 2023. Collection method: clinical testing. Allele origin: germline.

Labcorp Genetics (formerly Invitae), Labcorp
Classification: Uncertain significance. Last evaluated: 2021-07-31. Review status: criteria provided, single submitter. Criteria: Invitae Variant Classification Sherloc (09022015). Collection method: clinical testing. Allele origin: germline.
Comment: In summary, the available evidence is currently insufficient to determine the role of this variant in disease. Therefore, it has been classified as a Variant of Uncertain Significance. Algorithms developed to predict the effect of sequence changes on RNA splicing suggest that this variant may create or strengthen a splice site. Algorithms developed to predict the effect of missense changes on protein structure and function (SIFT, PolyPhen-2, Align-GVGD) all suggest that this variant is likely to be tolerated. This variant has not been reported in the literature in individuals affected with MAP3K7-related conditions. This variant is present in population databases (rs199615272, ExAC 0.01%). This sequence change replaces arginine with glutamine at codon 289 of the MAP3K7 protein (p.Arg289Gln). The arginine residue is moderately conserved and there is a small physicochemical difference between arginine and glutamine.

NM_145331.3(MAP3K7):c.866G>A (p.Arg289Gln)

Gene: MAP3K7 (mitogen-activated protein kinase kinase kinase 7; minus strand). Cytogenetic location: 6q15.
Variant type: single nucleotide variant.
Coding change: c.866G>A on transcript NM_145331.3 (MANE Select); coding-DNA position 866, G replaced by A.
Protein change: p.Arg289Gln; replaces arginine 289 with glutamine.
Molecular consequence: missense variant.
Genome position (GRCh38, 1-based): chr6:90,552,050, C>T on the plus strand (G>A on the coding strand, the complement: MAP3K7 is on the minus strand). VCF-style: chr6-90552050-C-T. GRCh37 (hg19) VCF-style: chr6-91261769-C-T.
Other names: c.866G>A (NM_145331.1); c.866G>A, p.Arg289Gln (NM_003188.4, NM_145332.3, NM_145333.3); short protein forms R289Q.
Identifiers: ClinVar variation 1446800 (VCV001446800.7), dbSNP rs199615272, ClinGen allele CA3928545.
Genomic context (GRCh38, chr6:90,552,050, plus strand): 5'-AAAACTCAGCACATATTAAATTCCCCTAAATCCAAAGCCCCTCAAAAGAAGGATTATACC[C>T]GCATCAAGTGAGTCATTATTTTCACAATTTCCTCCATTGAAGGGCGCTGGGAAGGATCTT-3'
Protein context (NP_663304.1, residues 279-299): EIVKIMTHLM[Arg289Gln]YFPGADEPLQ